The following is an entry in ClinVar:

ClinVar aggregate classification (germline): Likely benign. Review status: criteria provided, single submitter (1 of 4 stars). 2 submissions from 2 submitters: Likely benign (1). 1 of the submissions does not count toward it. Last evaluated 2025-12-01.

Conditions:
CAPN15-related disorder. Also called: CAPN15-related condition.

Allele frequency attached by ClinVar (database versions not stated): ESP Exome Variant Server 0.00016; TOPMed 0.00020; ExAC 0.00025; gnomAD 0.00026; gnomAD exomes 0.00031; 1000 Genomes Project 30x 0.00047; 1000 Genomes Project 0.00060.
gnomAD v4.1: 475 of 1,609,708 alleles (0.03%); highest among the groups gnomAD compares: Non-Finnish European, 0.036%; no homozygotes.

Submissions (2):

CeGaT Center for Human Genetics Tuebingen
Classification: Likely benign. Last evaluated: 2025-12-01. Review status: criteria provided, single submitter. Criteria: CeGaT Center For Human Genetics Tuebingen Variant Classification Criteria Version 2. Collection method: clinical testing. Allele origin: germline. Affected: yes. Observed: 5 variant alleles.
Comment: CAPN15: BP4, BP7

PreventionGenetics, part of Exact Sciences
Classification: Likely benign for CAPN15-related condition. Last evaluated: 2019-09-26. Review status: no assertion criteria provided. Collection method: clinical testing. Allele origin: germline. Not counted in ClinVar's aggregate classification.
Comment: This variant is classified as likely benign based on ACMG/AMP sequence variant interpretation guidelines (Richards et al. 2015 PMID: 25741868, with internal and published modifications).

NM_005632.3(CAPN15):c.2625G>A (p.Ala875=)

Gene: CAPN15 (calpain 15; plus strand). Cytogenetic location: 16p13.3.
Variant type: single nucleotide variant.
Coding change: c.2625G>A on transcript NM_005632.3 (MANE Select); coding-DNA position 2625, G replaced by A.
Protein change: p.Ala875=; no amino-acid change (alanine 875 retained).
Molecular consequence: synonymous variant.
Genome position (GRCh38, 1-based): chr16:552,418, G>A. VCF-style: chr16-552418-G-A. GRCh37 (hg19) VCF-style: chr16-602418-G-A.
Other names: c.2625G>A (NM_005632.2).
Identifiers: ClinVar variation 2645814 (VCV002645814.25), dbSNP rs373834069, ClinGen allele CA7778857.